The following is an entry in ClinVar:

NM_152564.5(VPS13B):c.3030A>G (p.Ser1010=)

Gene: VPS13B (vacuolar protein sorting 13 homolog B; plus strand). Cytogenetic location: 8q22.2.
Variant type: single nucleotide variant.
Coding change: c.3030A>G on transcript NM_152564.5 (MANE Select); coding-DNA position 3030, A replaced by G.
Protein change: p.Ser1010=; no amino-acid change (serine 1010 retained).
Molecular consequence: synonymous variant.
Genome position (GRCh38, 1-based): chr8:99,391,652, A>G. VCF-style: chr8-99391652-A-G. GRCh37 (hg19) VCF-style: chr8-100403880-A-G.
Other names: c.3030A>G, p.Ser1010= (NM_017890.5); c.3030A>G (NM_152564.4).
Identifiers: ClinVar variation 1627528 (VCV001627528.9), dbSNP rs749186173, ClinGen allele CA4823136.

ClinVar aggregate classification (germline): Likely benign. Review status: criteria provided, multiple submitters, no conflicts (2 of 4 stars). 2 submissions from 2 submitters: Likely benign (2). Last evaluated 2025-10-22.

Conditions:
VPS13B-related disorder. Also called: VPS13B-related condition.
Cohen syndrome (COH1). Also called: PEPPER SYNDROME; Cutis verticis gyrata, retinitis pigmentosa, and sensorineural deafness. Identifiers: Orphanet 193, MedGen C0265223, MONDO:0008999, OMIM 216550.

Allele frequency attached by ClinVar (database versions not stated): ExAC 0.00001; gnomAD 0.00001; gnomAD exomes 0.00001; TOPMed 0.00001.
gnomAD v4.1: 18 of 1,614,074 alleles (0.0011%); highest among the groups gnomAD compares: Admixed American, 0.005%; no homozygotes.

Submissions (2):

PreventionGenetics, part of Exact Sciences
Classification: Likely benign for VPS13B-related condition. Last evaluated: 2025-10-22. Review status: criteria provided, single submitter. Criteria: ACMG Guidelines, 2015. Collection method: clinical testing. Allele origin: germline.
Comment: This variant is classified as likely benign based on ACMG/AMP sequence variant interpretation guidelines (Richards et al. 2015 PMID: 25741868, with internal and published modifications).

Labcorp Genetics (formerly Invitae), Labcorp
Classification: Likely benign for Cohen syndrome. Last evaluated: 2023-10-04. Review status: criteria provided, single submitter. Criteria: Invitae Variant Classification Sherloc (09022015). Collection method: clinical testing. Allele origin: germline.